The following is an entry in ClinVar:

ClinVar aggregate classification (germline): Pathogenic (1 of 4 stars; one submission).

Conditions:
Fanconi anemia (FA). Also called: Fanconi's anemia. Identifiers: Orphanet 84, MedGen C0015625, MeSH D005199, MONDO:0019391.

Submission:

Labcorp Genetics (formerly Invitae), Labcorp
Classification: Pathogenic for Fanconi anemia. Last evaluated: 2023-03-27. Review status: criteria provided, single submitter. Criteria: Invitae Variant Classification Sherloc (09022015). Collection method: clinical testing. Allele origin: germline.
Comment: This variant is not present in population databases (gnomAD no frequency). This sequence change creates a premature translational stop signal (p.Ile522Aspfs*6) in the FANCC gene. While this is not anticipated to result in nonsense mediated decay, it is expected to disrupt the last 37 amino acid(s) of the FANCC protein. For these reasons, this variant has been classified as Pathogenic. This variant disrupts a region of the FANCC protein in which other variant(s) (p.Leu554Pro) have been determined to be pathogenic (PMID: 8613549, 8703809, 9242535, 9398857, 11050007). This suggests that this is a clinically significant region of the protein, and that variants that disrupt it are likely to be disease-causing. This variant has not been reported in the literature in individuals affected with FANCC-related conditions.

Literature cited by the submitters: PubMed 8613549; PubMed 8703809; PubMed 9242535; PubMed 9398857; PubMed 11050007.

NM_000136.3(FANCC):c.1563dup (p.Ile522fs)

Genes: AOPEP (aminopeptidase O (putative); plus strand), FANCC (FA complementation group C; minus strand). Cytogenetic location: 9q22.32.
Variant type: Duplication.
Coding change: c.1563dup on transcript NM_000136.3 (MANE Select); coding-DNA position 1563, one base duplicated (G; older notation c.1563dupG).
Protein change: p.Ile522fs; shifts the reading frame from isoleucine 522.
Molecular consequence: frameshift variant.
Genome position (GRCh38, 1-based): chr9:95,101,821, C duplicated on the plus strand (G on the coding strand, the reverse complement: FANCC is on the minus strand). VCF-style (leftmost placement, unchanged base first): chr9-95101820-T-TC. GRCh37 (hg19) VCF-style: chr9-97864102-T-TC.
Other names: c.1563dup, p.Ile522fs (NM_001243743.2); short protein forms I522fs.
Identifiers: ClinVar variation 2802472 (VCV002802472.3), dbSNP rs2540750688, ClinGen allele CA2739269361.